The following is an entry in ClinVar:

ClinVar aggregate classification (germline): Uncertain significance (1 of 4 stars; one submission).

Submission:

Labcorp Genetics (formerly Invitae), Labcorp
Classification: Uncertain significance. Last evaluated: 2024-05-25. Review status: criteria provided, single submitter. Criteria: Invitae Variant Classification Sherloc (09022015). Collection method: clinical testing. Allele origin: germline.
Comment: This sequence change replaces leucine, which is neutral and non-polar, with isoleucine, which is neutral and non-polar, at codon 668 of the PHEX protein (p.Leu668Ile). This variant is not present in population databases (gnomAD no frequency). This variant has not been reported in the literature in individuals affected with PHEX-related conditions. Advanced modeling of protein sequence and biophysical properties (such as structural, functional, and spatial information, amino acid conservation, physicochemical variation, residue mobility, and thermodynamic stability) has been performed at Invitae for this missense variant, however the output from this modeling did not meet the statistical confidence thresholds required to predict the impact of this variant on PHEX protein function. In summary, the available evidence is currently insufficient to determine the role of this variant in disease. Therefore, it has been classified as a Variant of Uncertain Significance.

NM_000444.6(PHEX):c.2002C>A (p.Leu668Ile)

Genes: PHEX (phosphate regulating endopeptidase X-linked; plus strand), PTCHD1-AS (PTCHD1 and PHEX antisense RNA; minus strand). Cytogenetic location: Xp22.11.
Variant type: single nucleotide variant.
Coding change: c.2002C>A on transcript NM_000444.6 (MANE Select); coding-DNA position 2002, C replaced by A.
Protein change: p.Leu668Ile; replaces leucine 668 with isoleucine.
Molecular consequence: missense variant. On other transcripts: non-coding transcript variant (1).
Genome position (GRCh38, 1-based): chrX:22,227,543, C>A. VCF-style: chrX-22227543-C-A. GRCh37 (hg19) VCF-style: chrX-22245660-C-A.
Other names: c.2002C>A, p.Leu668Ile (NM_001282754.2); short protein forms L668I.
Identifiers: ClinVar variation 3616675 (VCV003616675.2).
Genomic context (GRCh38, chrX:22,227,543, plus strand): 5'-CATCTCTTCTTCTTCTCTCACCAGGCTTACAGGAAATGGATAAATGACAGAAGGCAGGGA[C>A]TTGAGGAGCCTCTTCTACCAGGCATCACATTCACCAACAACCAGCTCTTCTTCCTGAGTT-3'
Protein context (NP_000435.3, residues 658-678): RKWINDRRQG[Leu668Ile]EEPLLPGITF